The following is an entry in ClinVar:

NM_000512.5(GALNS):c.771C>T (p.Ala257=)

Gene: GALNS (galactosamine (N-acetyl)-6-sulfatase; minus strand). Cytogenetic location: 16q24.3.
Variant type: single nucleotide variant.
Coding change: c.771C>T on transcript NM_000512.5 (MANE Select); coding-DNA position 771, C replaced by T.
Protein change: p.Ala257=; no amino-acid change (alanine 257 retained).
Molecular consequence: synonymous variant.
Genome position (GRCh38, 1-based): chr16:88,835,340, G>A on the plus strand (C>T on the coding strand, the complement: GALNS is on the minus strand). VCF-style: chr16-88835340-G-A. GRCh37 (hg19) VCF-style: chr16-88901748-G-A.
Other names: c.216C>T, p.Ala72= (NM_001323543.2); c.789C>T, p.Ala263= (NM_001323544.2).
Identifiers: ClinVar variation 741344 (VCV000741344.45), dbSNP rs370586494, ClinGen allele CA8234978.
Genomic context (GRCh38, chr16:88,835,340, plus strand): 5'-GACGTGCAGGTCTTGGAGGAGCTCCAGTATCTTCCCAATGCTGTCATCAATCTCCCGGAC[G>A]GCGTCTCCATACCTGCAGGATGGTGACAAAAGGCATCTCCATACCTGGAGGATGGTGACA-3'
Protein context (NP_000503.1, residues 247-267): GTSQRGRYGD[Ala257=]VREIDDSIGK

ClinVar aggregate classification (germline): Conflicting classifications of pathogenicity. Review status: criteria provided, conflicting classifications (1 of 4 stars). 4 submissions from 4 submitters: Uncertain significance (1); Likely benign (3). Last evaluated 2026-01-28.

Conditions:
Mucopolysaccharidosis, MPS-IV-A (MPS4A). Also called: Mucopolysaccharidosis type IV A; GALACTOSAMINE-6-SULFATASE DEFICIENCY; GALNS DEFICIENCY; MORQUIO A DISEASE; MPS IVA; Morquio syndrome A, mild. Identifiers: Orphanet 309297, Orphanet 582, MedGen C0086651, MONDO:0009659, OMIM 253000.

Allele frequency attached by ClinVar (database versions not stated): ESP Exome Variant Server 0.00015; ExAC 0.00020; gnomAD exomes 0.00020; gnomAD 0.00021; TOPMed 0.00027.
gnomAD v4.1: 655 of 1,613,554 alleles (0.041%); highest among the groups gnomAD compares: Non-Finnish European, 0.051%; 1 homozygote.

Submissions (4):

Labcorp Genetics (formerly Invitae), Labcorp
Classification: Likely benign for Mucopolysaccharidosis, MPS-IV-A. Last evaluated: 2026-01-28. Review status: criteria provided, single submitter. Criteria: Invitae Variant Classification Sherloc (09022015). Collection method: clinical testing. Allele origin: germline.

CeGaT Center for Human Genetics Tuebingen
Classification: Likely benign. Last evaluated: 2022-10-01. Review status: criteria provided, single submitter. Criteria: CeGaT Center For Human Genetics Tuebingen Variant Classification Criteria Version 2. Collection method: clinical testing. Allele origin: germline. Affected: yes. Observed: 1 variant allele.
Comment: GALNS: BP4, BP7

Genome-Nilou Lab
Classification: Likely benign for Mucopolysaccharidosis, MPS-IV-A. Last evaluated: 2021-11-07. Review status: criteria provided, single submitter. Criteria: ACMG Guidelines, 2015. Collection method: clinical testing. Allele origin: germline. Affected: no.

Illumina Laboratory Services, Illumina
Classification: Uncertain significance for Mucopolysaccharidosis, MPS-IV-A. Last evaluated: 2017-04-27. Review status: criteria provided, single submitter. Criteria: ICSL Variant Classification Criteria 13 December 2019. Collection method: clinical testing. Allele origin: germline.